The following is an entry in ClinVar:

ClinVar aggregate classification (germline): Likely benign. Review status: criteria provided, multiple submitters, no conflicts (2 of 4 stars). 3 submissions from 3 submitters: Likely benign (3). Last evaluated 2025-05-27.

Conditions:
Cardiovascular phenotype. Identifiers: MedGen CN230736.
Hypertrophic cardiomyopathy 14. Identifiers: MedGen C2750467, MONDO:0013197, OMIM 613251.

Allele frequency attached by ClinVar (database versions not stated): gnomAD 0.00001; ExAC 0.00002; gnomAD exomes 0.00002 and 0.00004; TOPMed 0.00002.

Submissions (3):

Labcorp Genetics (formerly Invitae), Labcorp
Classification: Likely benign for Hypertrophic cardiomyopathy 14. Last evaluated: 2025-05-27. Review status: criteria provided, single submitter. Criteria: Invitae Variant Classification Sherloc (09022015). Collection method: clinical testing. Allele origin: germline.

Ambry Genetics
Classification: Likely benign for Cardiovascular phenotype. Last evaluated: 2019-01-07. Review status: criteria provided, single submitter. Criteria: Ambry Variant Classification Scheme 2023. Collection method: clinical testing. Allele origin: germline.

GeneDx
Classification: Likely benign. Last evaluated: 2016-12-08. Review status: criteria provided, single submitter. Criteria: GeneDx Variant Classification (06012015). Collection method: clinical testing. Allele origin: germline. Affected: yes.
Comment: This variant is considered likely benign or benign based on one or more of the following criteria: it is a conservative change, it occurs at a poorly conserved position in the protein, it is predicted to be benign by multiple in silico algorithms, and/or has population frequency not consistent with disease.

NM_002471.4(MYH6):c.540C>T (p.Ser180=)

Genes: MYH6 (myosin heavy chain 6; minus strand), LOC114827851 (VISTA enhancer hs2155; plus strand). Cytogenetic location: 14q11.2.
Variant type: single nucleotide variant.
Coding change: c.540C>T on transcript NM_002471.4 (MANE Select); coding-DNA position 540, C replaced by T.
Protein change: p.Ser180=; no amino-acid change (serine 180 retained).
Molecular consequence: synonymous variant.
Genome position (GRCh38, 1-based): chr14:23,404,813, G>A on the plus strand (C>T on the coding strand, the complement: MYH6 is on the minus strand). VCF-style: chr14-23404813-G-A. GRCh37 (hg19) VCF-style: chr14-23874022-G-A.
Identifiers: ClinVar variation 391456 (VCV000391456.12), dbSNP rs766589542, ClinGen allele CA7116113.